The following is an entry in ClinVar:

NM_005144.5(HR):c.1168C>G (p.Gln390Glu)

Gene: HR (HR lysine demethylase and nuclear receptor corepressor; minus strand). Cytogenetic location: 8p21.3.
Variant type: single nucleotide variant.
Coding change: c.1168C>G on transcript NM_005144.5 (MANE Select); coding-DNA position 1168, C replaced by G.
Protein change: p.Gln390Glu; replaces glutamine 390 with glutamic acid.
Molecular consequence: missense variant.
Genome position (GRCh38, 1-based): chr8:22,127,274, G>C on the plus strand (C>G on the coding strand, the complement: HR is on the minus strand). VCF-style: chr8-22127274-G-C. GRCh37 (hg19) VCF-style: chr8-21984787-G-C.
Other names: c.1168C>G (NM_005144.4); c.1168C>G, p.Gln390Glu (NM_018411.4); short protein forms Q390E.
Identifiers: ClinVar variation 2706145 (VCV002706145.4), dbSNP rs200369944, ClinGen allele CA4662557.

ClinVar aggregate classification (germline): Uncertain significance. Review status: criteria provided, multiple submitters, no conflicts (2 of 4 stars). 2 submissions from 2 submitters: Uncertain significance (2). Last evaluated 2025-08-05.

Conditions:
Inborn genetic diseases. Identifiers: MedGen C0950123, MeSH D030342.

Allele frequency attached by ClinVar (database versions not stated): gnomAD exomes 0.00004; ExAC 0.00014; ESP Exome Variant Server 0.00023; gnomAD 0.00040; TOPMed 0.00043; 1000 Genomes Project 30x 0.00078; 1000 Genomes Project 0.00080.

Submissions (2):

Ambry Genetics
Classification: Uncertain significance for Inborn genetic diseases. Last evaluated: 2025-08-05. Review status: criteria provided, single submitter. Criteria: Ambry Variant Classification Scheme 2023. Collection method: clinical testing. Allele origin: germline.

Labcorp Genetics (formerly Invitae), Labcorp
Classification: Uncertain significance. Last evaluated: 2024-05-20. Review status: criteria provided, single submitter. Criteria: Invitae Variant Classification Sherloc (09022015). Collection method: clinical testing. Allele origin: germline.
Comment: This sequence change replaces glutamine, which is neutral and polar, with glutamic acid, which is acidic and polar, at codon 390 of the HR protein (p.Gln390Glu). This variant is present in population databases (rs200369944, gnomAD 0.1%). This variant has not been reported in the literature in individuals affected with HR-related conditions. An algorithm developed to predict the effect of missense changes on protein structure and function (PolyPhen-2) suggests that this variant is likely to be disruptive. In summary, the available evidence is currently insufficient to determine the role of this variant in disease. Therefore, it has been classified as a Variant of Uncertain Significance.